The following is an entry in ClinVar:

NM_000289.6(PFKM):c.277C>T (p.Arg93Trp)

Gene: PFKM (phosphofructokinase, muscle; plus strand). Cytogenetic location: 12q13.11.
Variant type: single nucleotide variant.
Coding change: c.277C>T on transcript NM_000289.6 (MANE Select); coding-DNA position 277, C replaced by T.
Protein change: p.Arg93Trp; replaces arginine 93 with tryptophan.
Molecular consequence: missense variant. On other transcripts: non-coding transcript variant (6).
Genome position (GRCh38, 1-based): chr12:48,132,907, C>T. VCF-style: chr12-48132907-C-T. GRCh37 (hg19) VCF-style: chr12-48526690-C-T.
Other names: c.490C>T, p.Arg164Trp (NM_001166686.2, NM_001354737.1, NM_001354738.1 and 2 more transcripts); c.277C>T, p.Arg93Trp (NM_001166687.2, NM_001166688.2, NM_001354742.2 and 4 more transcripts); c.586C>T, p.Arg196Trp (NM_001354735.1, NM_001354736.1); c.421C>T, p.Arg141Trp (NM_001354740.1); c.301C>T, p.Arg101Trp (NM_001354741.2); c.190C>T, p.Arg64Trp (NM_001354745.2); c.127C>T, p.Arg43Trp (NM_001354747.2, NM_001354748.2); c.277C>T (NM_000289.5); short protein forms R196W, R43W, R101W, R141W, R164W, R64W, R93W.
Identifiers: ClinVar variation 4916496 (VCV004916496.2).
Genomic context (GRCh38, chr12:48,132,907, plus strand): 5'-TGACTTCTACCTCTTCCAAAGGGAGGCACGGTGATTGGAAGTGCCCGGTGCAAGGACTTT[C>T]GGGAACGAGAAGGACGACTCCGAGCTGCCTACAACCTGGTGAAGCGTGGGATCACCAATC-3'
Protein context (NP_000280.1, residues 83-103): VIGSARCKDF[Arg93Trp]EREGRLRAAY

ClinVar aggregate classification (germline): Uncertain significance. Review status: criteria provided, multiple submitters, no conflicts (2 of 4 stars). 2 submissions from 2 submitters: Uncertain significance (2). Last evaluated 2025-11-03.

Conditions:
PFKM-related disorder. Also called: PFKM-related condition.

Submissions (2):

PreventionGenetics, part of Exact Sciences
Classification: Uncertain significance for PFKM-related condition. Last evaluated: 2025-11-03. Review status: criteria provided, single submitter. Criteria: ACMG Guidelines, 2015. Collection method: clinical testing. Allele origin: germline.
Comment: The PFKM c.277C>T variant is predicted to result in the amino acid substitution p.Arg93Trp. To our knowledge, this variant has not been reported in the literature. This variant is reported in 0.0098% of alleles in individuals of South Asian descent in gnomAD. At this time, the clinical significance of this variant is uncertain due to the absence of conclusive functional and genetic evidence.

Blueprint Genetics
Classification: Uncertain significance. Last evaluated: 2023-07-27. Review status: criteria provided, single submitter. Criteria: ACMG Guidelines, 2015. Collection method: clinical testing. Allele origin: germline.